The following is an entry in ClinVar:

ClinVar aggregate classification (germline): Uncertain significance (1 of 4 stars; one submission).

Conditions:
Cardiovascular phenotype. Identifiers: MedGen CN230736.

Submission:

Ambry Genetics
Classification: Uncertain significance for Cardiovascular phenotype. Last evaluated: 2024-03-28. Review status: criteria provided, single submitter. Criteria: Ambry Variant Classification Scheme 2023. Collection method: clinical testing. Allele origin: germline.
Comment: The p.Y2071N variant (also known as c.6211T>A), located in coding exon 38 of the FLNC gene, results from a T to A substitution at nucleotide position 6211. The tyrosine at codon 2071 is replaced by asparagine, an amino acid with dissimilar properties. This amino acid position is conserved. In addition, this alteration is predicted to be deleterious by in silico analysis. Based on the available evidence, the clinical significance of this alteration remains unclear.

NM_001458.5(FLNC):c.6211T>A (p.Tyr2071Asn)

Genes: FLNC (filamin C; plus strand), FLNC-AS1 (FLNC antisense RNA 1; minus strand). Cytogenetic location: 7q32.1.
Variant type: single nucleotide variant.
Coding change: c.6211T>A on transcript NM_001458.5 (MANE Select); coding-DNA position 6211, T replaced by A.
Protein change: p.Tyr2071Asn; replaces tyrosine 2071 with asparagine.
Molecular consequence: missense variant.
Genome position (GRCh38, 1-based): chr7:128,853,471, T>A. VCF-style: chr7-128853471-T-A. GRCh37 (hg19) VCF-style: chr7-128493525-T-A.
Other names: c.6112T>A, p.Tyr2038Asn (NM_001127487.2); short protein forms Y2071N, Y2038N.
Identifiers: ClinVar variation 3279208 (VCV003279208.1).